The following is an entry in ClinVar:

NM_025114.4(CEP290):c.1358C>G (p.Ser453Trp)

Gene: CEP290 (centrosomal protein 290; minus strand). Cytogenetic location: 12q21.32.
Variant type: single nucleotide variant.
Coding change: c.1358C>G on transcript NM_025114.4 (MANE Select); coding-DNA position 1358, C replaced by G.
Protein change: p.Ser453Trp; replaces serine 453 with tryptophan.
Molecular consequence: missense variant.
Genome position (GRCh38, 1-based): chr12:88,120,998, G>C on the plus strand (C>G on the coding strand, the complement: CEP290 is on the minus strand). VCF-style: chr12-88120998-G-C. GRCh37 (hg19) VCF-style: chr12-88514775-G-C.
Other names: short protein forms S453W.
Identifiers: ClinVar variation 4981200 (VCV004981200.1).

ClinVar aggregate classification (germline): Uncertain significance (1 of 4 stars; one submission).

Conditions:
CEP290-related disorder. Also called: CEP290-related condition; CEP290-related disorders. Identifiers: MedGen CN239314.

gnomAD v4.1: 11 of 1,607,778 alleles (0.00068%); highest among the groups gnomAD compares: Non-Finnish European, 0.00085%; no homozygotes.

Submission:

PreventionGenetics, part of Exact Sciences
Classification: Uncertain significance for CEP290-related condition. Last evaluated: 2025-05-31. Review status: criteria provided, single submitter. Criteria: ACMG Guidelines, 2015. Collection method: clinical testing. Allele origin: germline.
Comment: The CEP290 c.1358C>G variant is predicted to result in the amino acid substitution p.Ser453Trp. To our knowledge, this variant has not been reported in the literature. This variant is reported in 0.00089% of alleles in individuals of European (Non-Finnish) descent in gnomAD. At this time, the clinical significance of this variant is uncertain due to the absence of conclusive functional and genetic evidence.